The following is an entry in ClinVar:

NM_144643.4(SCLT1):c.1146+2_1146+5del

Gene: SCLT1 (sodium channel and clathrin linker 1; minus strand). Cytogenetic location: 4q28.2.
Variant type: Deletion.
Coding change: c.1146+2_1146+5del on transcript NM_144643.4 (MANE Select); the canonical splice donor site of the intron after coding-DNA position 1146 through 5 bases into the intron after coding-DNA position 1146, 4 bases deleted (TAAG; older notation c.1146+2_1146+5delTAAG).
Molecular consequence: splice donor variant.
Genome position (GRCh38, 1-based): chr4:128,957,021-128,957,024, CTTA deleted on the plus strand (TAAG on the coding strand, the reverse complement: SCLT1 is on the minus strand); deleting any 4 consecutive bases within chr4:128,957,021-128,957,027 gives the same sequence; the c. name uses the placement nearest the transcript's 3' end. VCF-style (leftmost placement, unchanged base first): chr4-128957020-CCTTA-C. GRCh37 (hg19) VCF-style: chr4-129878175-CCTTA-C.
Identifiers: ClinVar variation 2005800 (VCV002005800.4), dbSNP rs2530428521, ClinGen allele CA2580071532.

ClinVar aggregate classification (germline): Likely pathogenic (1 of 4 stars; one submission).

Submission:

Labcorp Genetics (formerly Invitae), Labcorp
Classification: Likely pathogenic. Last evaluated: 2022-06-19. Review status: criteria provided, single submitter. Criteria: Invitae Variant Classification Sherloc (09022015). Collection method: clinical testing. Allele origin: germline.
Comment: This sequence change affects a splice site in intron 13 of the SCLT1 gene. It is expected to disrupt RNA splicing. Variants that disrupt the donor or acceptor splice site typically lead to a loss of protein function (PMID: 16199547), and loss-of-function variants in SCLT1 are known to be pathogenic (PMID: 28005958). In summary, the currently available evidence indicates that the variant is pathogenic, but additional data are needed to prove that conclusively. Therefore, this variant has been classified as Likely Pathogenic. Algorithms developed to predict the effect of sequence changes on RNA splicing suggest that this variant may disrupt the consensus splice site. This variant has not been reported in the literature in individuals affected with SCLT1-related conditions. This variant is not present in population databases (gnomAD no frequency).

Literature cited by the submitters: PubMed 16199547; PubMed 28005958.